The following is an entry in ClinVar:

NM_020320.5(RARS2):c.1704A>G (p.Lys568=)

Gene: RARS2 (arginyl-tRNA synthetase 2, mitochondrial; minus strand). Cytogenetic location: 6q15.
Variant type: single nucleotide variant.
Coding change: c.1704A>G on transcript NM_020320.5 (MANE Select); coding-DNA position 1704, A replaced by G.
Protein change: p.Lys568=; no amino-acid change (lysine 568 retained).
Molecular consequence: synonymous variant. On other transcripts: non-coding transcript variant (23).
Genome position (GRCh38, 1-based): chr6:87,514,446, T>C on the plus strand (A>G on the coding strand, the complement: RARS2 is on the minus strand). VCF-style: chr6-87514446-T-C. GRCh37 (hg19) VCF-style: chr6-88224164-T-C.
Other names: c.1179A>G, p.Lys393= (NM_001318785.2, NM_001350506.2, NM_001350507.2 and 4 more transcripts); c.1704A>G, p.Lys568= (NM_001350505.2).
Identifiers: ClinVar variation 130095 (VCV000130095.36), dbSNP rs8802, ClinGen allele CA154880.

ClinVar aggregate classification (germline): Benign/Likely benign. Review status: criteria provided, multiple submitters, no conflicts (2 of 4 stars). 11 submissions from 11 submitters: Benign (5); Likely benign (1). 5 of the submissions do not count toward it. Last evaluated 2026-02-04.

Conditions:
Pontocerebellar hypoplasia type 6 (PCH6). Identifiers: Orphanet 166073, MedGen C1969084, MONDO:0012683, OMIM 611523.

Allele frequency attached by ClinVar (database versions not stated): gnomAD exomes 0.10005 and 0.11013; ExAC 0.10933; ESP Exome Variant Server 0.11710; gnomAD 0.12082 and 0.12189; TOPMed 0.12787; 1000 Genomes Project 0.13199; 1000 Genomes Project 30x 0.13585.
gnomAD v4.1: 164,734 of 1,611,220 alleles (10%); highest among the groups gnomAD compares: African/African-American, 16%; 8,960 homozygotes.

Submissions (11):

Labcorp Genetics (formerly Invitae), Labcorp
Classification: Benign. Last evaluated: 2026-02-04. Review status: criteria provided, single submitter. Criteria: Invitae Variant Classification Sherloc (09022015). Collection method: clinical testing. Allele origin: germline.

Blueprint Genetics
Classification: Benign. Last evaluated: 2024-11-26. Review status: criteria provided, single submitter. Criteria: ACMG Guidelines, 2015. Collection method: clinical testing. Allele origin: germline.

Genome-Nilou Lab
Classification: Benign for Pontocerebellar hypoplasia type 6. Last evaluated: 2021-07-10. Review status: criteria provided, single submitter. Criteria: ACMG Guidelines, 2015. Collection method: clinical testing. Allele origin: germline. Affected: no.

Illumina Laboratory Services, Illumina
Classification: Benign for Pontocerebellar hypoplasia type 6. Last evaluated: 2018-01-13. Review status: criteria provided, single submitter. Criteria: ICSL Variant Classification Criteria 13 December 2019. Collection method: clinical testing. Allele origin: germline.
Comment: This variant was observed in the ICSL laboratory as part of a predisposition screen in an ostensibly healthy population. It had not been previously curated by ICSL or reported in the Human Gene Mutation Database (HGMD: prior to June 1st, 2018), and was therefore a candidate for classification through an automated scoring system. Utilizing variant allele frequency, disease prevalence and penetrance estimates, and inheritance mode, an automated score was calculated to assess if this variant is too frequent to cause the disease. Based on the score and internal cut-off values, a variant classified as benign is not then subjected to further curation. The score for this variant resulted in a classification of benign for this disease.

GeneDx
Classification: Benign. Last evaluated: 2015-03-03. Review status: criteria provided, single submitter. Criteria: GeneDx Variant Classification Process June 2021. Collection method: clinical testing. Allele origin: germline. Affected: yes.

Breakthrough Genomics
Classification: Likely benign. Review status: criteria provided, single submitter. Criteria: ACMG Guidelines, 2015. Collection method: not provided. Allele origin: germline. Inheritance: Autosomal recessive inheritance. Affected: yes.

Natera, Inc.
Classification: Benign for Pontocerebellar hypoplasia, type 6. Last evaluated: 2019-11-20. Review status: no assertion criteria provided. Collection method: clinical testing. Allele origin: germline. Not counted in ClinVar's aggregate classification.

Mayo Clinic Laboratories, Mayo Clinic
Classification: Benign. Last evaluated: 2016-02-24. Review status: no assertion criteria provided. Collection method: clinical testing. Allele origin: unknown. Not counted in ClinVar's aggregate classification.

Clinical Genetics, Academic Medical Center
Classification: Benign. Review status: no assertion criteria provided. Collection method: clinical testing. Allele origin: germline. Affected: yes. Study: VKGL Data-share Consensus. Not counted in ClinVar's aggregate classification.

Genetic Services Laboratory, University of Chicago
Classification: Likely benign for AllHighlyPenetrant. Review status: no assertion criteria provided. Collection method: clinical testing. Allele origin: germline. Inheritance: Autosomal recessive inheritance. Not counted in ClinVar's aggregate classification.
Comment: Likely benign based on allele frequency in 1000 Genomes Project or ESP global frequency and its presence in a patient with a rare or unrelated disease phenotype. NOT Sanger confirmed.

Joint Genome Diagnostic Labs from Nijmegen and Maastricht, Radboudumc and MUMC+
Classification: Benign. Review status: no assertion criteria provided. Collection method: clinical testing. Allele origin: germline. Affected: yes. Study: VKGL Data-share Consensus. Not counted in ClinVar's aggregate classification.